The following is an entry in ClinVar:

ClinVar aggregate classification (germline): Uncertain significance (1 of 4 stars; one submission).

Submission:

Labcorp Genetics (formerly Invitae), Labcorp
Classification: Uncertain significance. Last evaluated: 2022-07-13. Review status: criteria provided, single submitter. Criteria: Invitae Variant Classification Sherloc (09022015). Collection method: clinical testing. Allele origin: germline.
Comment: In summary, the available evidence is currently insufficient to determine the role of this variant in disease. Therefore, it has been classified as a Variant of Uncertain Significance. Algorithms developed to predict the effect of missense changes on protein structure and function are either unavailable or do not agree on the potential impact of this missense change (SIFT: "Deleterious"; PolyPhen-2: "Benign"; Align-GVGD: "Class C0"). This variant has not been reported in the literature in individuals affected with RUSC2-related conditions. This variant is not present in population databases (gnomAD no frequency). This sequence change replaces leucine, which is neutral and non-polar, with proline, which is neutral and non-polar, at codon 716 of the RUSC2 protein (p.Leu716Pro).

NM_014806.5(RUSC2):c.2147T>C (p.Leu716Pro)

Gene: RUSC2 (RUN and SH3 domain containing 2; plus strand). Cytogenetic location: 9p13.3.
Variant type: single nucleotide variant.
Coding change: c.2147T>C on transcript NM_014806.5 (MANE Select); coding-DNA position 2147, T replaced by C.
Protein change: p.Leu716Pro; replaces leucine 716 with proline.
Molecular consequence: missense variant. On other transcripts: 5 prime UTR variant (1), non-coding transcript variant (1).
Genome position (GRCh38, 1-based): chr9:35,555,192, T>C. VCF-style: chr9-35555192-T-C. GRCh37 (hg19) VCF-style: chr9-35555189-T-C.
Other names: c.2147T>C, p.Leu716Pro (NM_001135999.2); c.-488T>C (NM_001330740.2); short protein forms L716P.
Identifiers: ClinVar variation 2016599 (VCV002016599.4), dbSNP rs2490401485, ClinGen allele CA373339849.